The following is an entry in ClinVar:

NM_017763.6(RNF43):c.953-7T>C

Gene: RNF43 (ring finger protein 43; minus strand). Cytogenetic location: 17q22.
Variant type: single nucleotide variant.
Coding change: c.953-7T>C on transcript NM_017763.6 (MANE Select); 7 bases into the intron before coding-DNA position 953, T replaced by C.
Molecular consequence: intron variant.
Genome position (GRCh38, 1-based): chr17:58,358,830, A>G on the plus strand (T>C on the coding strand, the complement: RNF43 is on the minus strand). VCF-style: chr17-58358830-A-G. GRCh37 (hg19) VCF-style: chr17-56436191-A-G.
Other names: c.953-7T>C (NM_001438822.1, NM_001305544.3, NM_001438820.1 and 1 more transcripts); c.572-7T>C (NM_001305545.2, NM_001437987.1).
Identifiers: ClinVar variation 1615467 (VCV001615467.9), dbSNP rs773353906, ClinGen allele CA8673256.

ClinVar aggregate classification (germline): Likely benign. Review status: criteria provided, multiple submitters, no conflicts (2 of 4 stars). 2 submissions from 2 submitters: Likely benign (2). Last evaluated 2026-06-26.

Conditions:
Sessile serrated polyposis cancer syndrome (SSPCS). Identifiers: Orphanet 157798, MedGen C4310714, MONDO:0014919, OMIM 617108.

Allele frequency attached by ClinVar (database versions not stated): gnomAD exomes 0.00001.
gnomAD v4.1: 6 of 1,484,760 alleles (0.0004%); highest among the groups gnomAD compares: Non-Finnish European, 0.00054%; no homozygotes.

Submissions (2):

Myriad Genetics, Inc.
Classification: Likely benign for Sessile serrated polyposis cancer syndrome. Last evaluated: 2026-06-26. Review status: criteria provided, single submitter. Criteria: Myriad Autosomal Dominant, Autosomal Recessive and X-Linked Classification Criteria (2023). Collection method: clinical testing. Allele origin: unknown.
Comment: This variant is considered likely benign. This variant is intronic and is not expected to impact mRNA splicing.

Labcorp Genetics (formerly Invitae), Labcorp
Classification: Likely benign. Last evaluated: 2021-10-04. Review status: criteria provided, single submitter. Criteria: Invitae Variant Classification Sherloc (09022015). Collection method: clinical testing. Allele origin: germline.